The following is an entry in ClinVar:

ClinVar aggregate classification (germline): Conflicting classifications of pathogenicity. Review status: criteria provided, conflicting classifications (1 of 4 stars). 2 submissions from 2 submitters: Uncertain significance (1); Likely benign (1). Last evaluated 2023-03-23.

Conditions:
Hereditary cancer-predisposing syndrome. Also called: Hereditary neoplastic syndrome; Neoplastic Syndromes, Hereditary; Hereditary Cancer Syndrome; Tumor predisposition. Identifiers: Orphanet 140162, MedGen C0027672, MeSH D009386, MONDO:0015356.
Hereditary breast ovarian cancer syndrome. Also called: BRCA1- and BRCA2-Associated Hereditary Breast and Ovarian Cancer; Hereditary breast and ovarian cancer syndrome (HBOC); Hereditary breast and/or ovarian cancer syndrome; Hereditary breast and ovarian cancer syndrome; Hereditary breast and ovarian cancer; Breast and ovarian cancer. Identifiers: Orphanet 145, MedGen C0677776, MeSH D061325, MONDO:0003582. Disease mechanism: loss of function.

Submissions (2):

University of Washington Department of Laboratory Medicine, University of Washington
Classification: Likely benign for Hereditary cancer-predisposing syndrome. Last evaluated: 2023-03-23. Review status: criteria provided, single submitter. Criteria: Dines et al. (Genet Med. 2020). Collection method: curation. Allele origin: germline.
Comment: Missense variant in a coldspot region where missense variants are very unlikely to be pathogenic (PMID:31911673).

BRCA1 coldspot (exon 11 using historical exon numbering). Reclassification based on statistical prior probability

Labcorp Genetics (formerly Invitae), Labcorp
Classification: Uncertain significance for Hereditary breast ovarian cancer syndrome. Last evaluated: 2022-10-08. Review status: criteria provided, single submitter. Criteria: Invitae Variant Classification Sherloc (09022015). Collection method: clinical testing. Allele origin: germline.
Comment: In summary, the available evidence is currently insufficient to determine the role of this variant in disease. Therefore, it has been classified as a Variant of Uncertain Significance. Advanced modeling of protein sequence and biophysical properties (such as structural, functional, and spatial information, amino acid conservation, physicochemical variation, residue mobility, and thermodynamic stability) performed at Invitae indicates that this missense variant is not expected to disrupt BRCA1 protein function. This variant has not been reported in the literature in individuals affected with BRCA1-related conditions. This variant is not present in population databases (gnomAD no frequency). This sequence change replaces phenylalanine, which is neutral and non-polar, with valine, which is neutral and non-polar, at codon 1193 of the BRCA1 protein (p.Phe1193Val).

NM_007294.4(BRCA1):c.3577T>G (p.Phe1193Val)

Genes: BRCA1 (BRCA1 DNA repair associated; minus strand), LOC126862571 (BRD4-independent group 4 enhancer GRCh37_chr17:41243136-41244335; plus strand). Cytogenetic location: 17q21.31.
Variant type: single nucleotide variant.
Coding change: c.3577T>G on transcript NM_007294.4 (MANE Select); coding-DNA position 3577, T replaced by G.
Protein change: p.Phe1193Val; replaces phenylalanine 1193 with valine.
Molecular consequence: missense variant. On other transcripts: intron variant (135).
Genome position (GRCh38, 1-based): chr17:43,091,954, A>C on the plus strand (T>G on the coding strand, the complement: BRCA1 is on the minus strand). VCF-style: chr17-43091954-A-C. GRCh37 (hg19) VCF-style: chr17-41243971-A-C.
Other names: c.3367T>G, p.Phe1123Val (NM_001407887.1, NM_001407889.1, NM_001407900.1 and 13 more transcripts); c.3364T>G, p.Phe1122Val (NM_001407894.1, NM_001407895.1, NM_001407899.1 and 9 more transcripts); c.3241T>G, p.Phe1081Val (NM_001407955.1, NM_001407956.1, NM_001407958.1 and 1 more transcripts); c.3244T>G, p.Phe1082Val (NM_001407957.1, NM_001407946.1, NM_001407947.1 and 6 more transcripts); c.3196T>G, p.Phe1066Val (NM_001407959.1, NM_001407960.1, NM_001407963.1); c.3193T>G, p.Phe1065Val (NM_001407962.1); c.3433T>G, p.Phe1145Val (NM_001407964.1, NM_001407740.1, NM_001407741.1 and 20 more transcripts); c.3073T>G, p.Phe1025Val (NM_001407965.1); and 41 more; short protein forms F1025V, F1065V, F1066V, F1081V, F1082V, F1104V, F1105V, F1122V.
Identifiers: ClinVar variation 1721271 (VCV001721271.8), dbSNP rs2154301670, ClinGen allele CA10594808.
Genomic context (GRCh38, chr17:43,091,954, plus strand): 5'-CTGAGGACTCTAATTTCTTGGCCCCTCTTCGGTAACCCTGAGCCAAATGTGTATGGGTGA[A>C]AGGGCTAGGACTCCTGCTAAGCTCTCCTTTCTGGACGCTTTTGCTAAAAACAGCAGAACT-3'
Protein context (NP_009225.1, residues 1183-1203): KGELSRSPSP[Phe1193Val]THTHLAQGYR